The following is an entry in ClinVar:

ClinVar aggregate classification (germline): Uncertain significance. Review status: criteria provided, multiple submitters, no conflicts (2 of 4 stars). 3 submissions from 3 submitters: Uncertain significance (3). Last evaluated 2025-11-26.

Conditions:
Familial hyperaldosteronism type II. Also called: FH II. Identifiers: Orphanet 404, MedGen C1854107, MONDO:0011576, OMIM 605635.
Leukoencephalopathy with mild cerebellar ataxia and white matter edema (LKPAT). Also called: CLCN2-Related Leukoencephalopathy; Leukoencephalopathy with ataxia; Leukoencephalopathy with white matter edema; Brain white matter edema. Identifiers: Orphanet 363540, MedGen C4554120, MONDO:0014292, OMIM 615651. Disease mechanism: loss of function.
Epilepsy, idiopathic generalized, susceptibility to, 11 (EIG11). Identifiers: Orphanet 307, MedGen C2750893, MONDO:0011875, OMIM 607628.
Inborn genetic diseases. Identifiers: MedGen C0950123, MeSH D030342.

Allele frequency attached by ClinVar (database versions not stated): gnomAD 0.00003 and 0.00004; ExAC 0.00004; gnomAD exomes 0.00004; TOPMed 0.00004.
gnomAD v4.1: 102 of 1,614,046 alleles (0.0063%); highest among the groups gnomAD compares: Admixed American, 0.01%; no homozygotes.

Submissions (3):

Labcorp Genetics (formerly Invitae), Labcorp
Classification: Uncertain significance. Last evaluated: 2025-11-26. Review status: criteria provided, single submitter. Criteria: Invitae Variant Classification Sherloc (09022015). Collection method: clinical testing. Allele origin: germline.
Comment: This sequence change replaces arginine, which is basic and polar, with histidine, which is basic and polar, at codon 881 of the CLCN2 protein (p.Arg881His). This variant is present in population databases (rs199616806, gnomAD 0.01%). This variant has not been reported in the literature in individuals affected with CLCN2-related conditions. ClinVar contains an entry for this variant (Variation ID: 1407525). Invitae Evidence Modeling of protein sequence and biophysical properties (such as structural, functional, and spatial information, amino acid conservation, physicochemical variation, residue mobility, and thermodynamic stability) indicates that this missense variant is not expected to disrupt CLCN2 protein function with a negative predictive value of 95%. In summary, the available evidence is currently insufficient to determine the role of this variant in disease. Therefore, it has been classified as a Variant of Uncertain Significance.

Ambry Genetics
Classification: Uncertain significance for Inborn genetic diseases. Last evaluated: 2024-06-17. Review status: criteria provided, single submitter. Criteria: Ambry Variant Classification Scheme 2023. Collection method: clinical testing. Allele origin: germline.

Fulgent Genetics
Classification: Uncertain significance for Familial hyperaldosteronism type II; Epilepsy, idiopathic generalized, susceptibility to, 11; Leukoencephalopathy with mild cerebellar ataxia and white matter edema. Last evaluated: 2022-02-26. Review status: criteria provided, single submitter. Criteria: ACMG Guidelines, 2015. Collection method: clinical testing. Allele origin: unknown.

NM_004366.6(CLCN2):c.2642G>A (p.Arg881His)

Gene: CLCN2 (chloride voltage-gated channel 2; minus strand). Cytogenetic location: 3q27.1.
Variant type: single nucleotide variant.
Coding change: c.2642G>A on transcript NM_004366.6 (MANE Select); coding-DNA position 2642, G replaced by A.
Protein change: p.Arg881His; replaces arginine 881 with histidine.
Molecular consequence: missense variant.
Genome position (GRCh38, 1-based): chr3:184,346,661, C>T on the plus strand (G>A on the coding strand, the complement: CLCN2 is on the minus strand). VCF-style: chr3-184346661-C-T. GRCh37 (hg19) VCF-style: chr3-184064449-C-T.
Other names: c.2591G>A, p.Arg864His (NM_001171087.3); c.2510G>A, p.Arg837His (NM_001171088.3); c.2555G>A, p.Arg852His (NM_001171089.3); c.2642G>A (NM_004366.4); short protein forms R852H, R837H, R864H, R881H.
Identifiers: ClinVar variation 1407525 (VCV001407525.10), dbSNP rs199616806, ClinGen allele CA2733621.